The following is an entry in ClinVar:

NM_018026.4(PACS1):c.2785G>A (p.Asp929Asn)

Gene: PACS1 (phosphofurin acidic cluster sorting protein 1; plus strand). Cytogenetic location: 11q13.2.
Variant type: single nucleotide variant.
Coding change: c.2785G>A on transcript NM_018026.4 (MANE Select); coding-DNA position 2785, G replaced by A.
Protein change: p.Asp929Asn; replaces aspartic acid 929 with asparagine.
Molecular consequence: missense variant.
Genome position (GRCh38, 1-based): chr11:66,243,173, G>A. VCF-style: chr11-66243173-G-A. GRCh37 (hg19) VCF-style: chr11-66010644-G-A.
Other names: short protein forms D929N.
Identifiers: ClinVar variation 3665964 (VCV003665964.2).

ClinVar aggregate classification (germline): Uncertain significance (1 of 4 stars; one submission).

Conditions:
Schuurs-Hoeijmakers syndrome. Also called: PACS1-Related Neurodevelopmental Disorder. Identifiers: Orphanet 329224, MedGen C3554343, MONDO:0014006, OMIM 615009.

Submission:

Labcorp Genetics (formerly Invitae), Labcorp
Classification: Uncertain significance for Schuurs-Hoeijmakers syndrome. Last evaluated: 2024-10-16. Review status: criteria provided, single submitter. Criteria: Invitae Variant Classification Sherloc (09022015). Collection method: clinical testing. Allele origin: germline.
Comment: This sequence change replaces aspartic acid, which is acidic and polar, with asparagine, which is neutral and polar, at codon 929 of the PACS1 protein (p.Asp929Asn). This variant is not present in population databases (gnomAD no frequency). This variant has not been reported in the literature in individuals affected with PACS1-related conditions. Invitae Evidence Modeling of protein sequence and biophysical properties (such as structural, functional, and spatial information, amino acid conservation, physicochemical variation, residue mobility, and thermodynamic stability) indicates that this missense variant is expected to disrupt PACS1 protein function with a positive predictive value of 80%. In summary, the available evidence is currently insufficient to determine the role of this variant in disease. Therefore, it has been classified as a Variant of Uncertain Significance.